The following is an entry in ClinVar:

NM_000540.3(RYR1):c.9273C>T (p.Gly3091=)

Gene: RYR1 (ryanodine receptor 1; plus strand). Cytogenetic location: 19q13.2.
Variant type: single nucleotide variant.
Coding change: c.9273C>T on transcript NM_000540.3 (MANE Select); coding-DNA position 9273, C replaced by T.
Protein change: p.Gly3091=; no amino-acid change (glycine 3091 retained).
Molecular consequence: synonymous variant.
Genome position (GRCh38, 1-based): chr19:38,512,284, C>T. VCF-style: chr19-38512284-C-T. GRCh37 (hg19) VCF-style: chr19-39002924-C-T.
Other names: c.9273C>T, p.Gly3091= (NM_001042723.2).
Identifiers: ClinVar variation 702751 (VCV000702751.7), dbSNP rs1600871563, ClinGen allele CA507354353.

ClinVar aggregate classification (germline): Likely benign. Review status: criteria provided, multiple submitters, no conflicts (2 of 4 stars). 2 submissions from 2 submitters: Likely benign (2). Last evaluated 2023-03-23.

Conditions:
RYR1-related disorder. Also called: RYR1-related condition; RYR1-related disorders. Identifiers: MedGen CN239331.
Malignant hyperthermia, susceptibility to, 1 (MHS1). Also called: Malignant hyperthermia suceptibility 1; RYR1-Related Malignant Hyperthermia Susceptibility; Anesthesia related hyperthermia; Malignant hyperpyrexia; Fulminating hyperpyrexia; Pharmacogenic myopathy. Identifiers: Orphanet 423, MedGen C2930980, MONDO:0007783, OMIM 145600.

Submissions (2):

All of Us Research Program, National Institutes of Health
Classification: Likely benign for Malignant hyperthermia, susceptibility to, 1. Last evaluated: 2023-03-23. Review status: criteria provided, single submitter. Criteria: ACMG Guidelines, 2015. Collection method: clinical testing. Allele origin: germline. Inheritance: Autosomal dominant inheritance. Observed: 1 variant allele, 1 heterozygote.
Comment: This study involves interpretation of variants in research participants for the purpose of population health screening. Participant phenotype was not available at the time of variant classification. Additional details can be found in publication PMID: 35346344, PMCID: PMC8962531

Labcorp Genetics (formerly Invitae), Labcorp
Classification: Likely benign for RYR1-related disorder. Last evaluated: 2018-08-16. Review status: criteria provided, single submitter. Criteria: Invitae Variant Classification Sherloc (09022015). Collection method: clinical testing. Allele origin: germline.